The following is an entry in ClinVar:

ClinVar aggregate classification (germline): Pathogenic (1 of 4 stars; one submission).

Conditions:
Primary ciliary dyskinesia. Also called: Ciliary dyskinesia. Identifiers: Orphanet 244, MedGen C0008780, MONDO:0016575, HP:0012265.

Submission:

Labcorp Genetics (formerly Invitae), Labcorp
Classification: Pathogenic for Primary ciliary dyskinesia. Last evaluated: 2021-03-09. Review status: criteria provided, single submitter. Criteria: Invitae Variant Classification Sherloc (09022015). Collection method: clinical testing. Allele origin: germline.
Comment: For these reasons, this variant has been classified as Pathogenic. This variant has not been reported in the literature in individuals with DNAH8-related conditions. This variant is not present in population databases (ExAC no frequency). This sequence change creates a premature translational stop signal (p.Gly896Aspfs*5) in the DNAH8 gene. It is expected to result in an absent or disrupted protein product. Loss-of-function variants in DNAH8 are known to be pathogenic (PMID: 24307375).

Literature cited by the submitters: PubMed 24307375.

NM_001206927.2(DNAH8):c.2685del (p.Gly896fs)

Gene: DNAH8 (dynein axonemal heavy chain 8; plus strand). Cytogenetic location: 6p21.2.
Variant type: Deletion.
Coding change: c.2685del on transcript NM_001206927.2 (MANE Select); coding-DNA position 2685, one base deleted (A; older notation c.2685delA).
Protein change: p.Gly896fs; shifts the reading frame from glycine 896.
Molecular consequence: frameshift variant.
Genome position (GRCh38, 1-based): chr6:38,790,309, A deleted; the last of 2 consecutive A bases (chr6:38,790,308-38,790,309); deleting either gives the same sequence. VCF-style (leftmost placement, unchanged base first): chr6-38790307-CA-C. GRCh37 (hg19) VCF-style: chr6-38758083-CA-C.
Other names: c.2034del, p.Gly679fs (NM_001371.4); short protein forms G679fs, G896fs.
Identifiers: ClinVar variation 1455639 (VCV001455639.6), dbSNP rs1250753880, ClinGen allele CA566574864.
Genomic context (GRCh38, chr6:38,790,307, plus strand): 5'-TCCTGTTGATAATAGAAGCAGTTGTGTTTTTACCGTTTCTAGGTGGAATCTGTGTTGAGG[CA>C]AGGACTCACAGTGTTAACATGGTCGTCTTTAACACTGGAAAGCTTCTTTCAAGAAGTCGA-3'